The following is an entry in ClinVar:

ClinVar aggregate classification (germline): Uncertain significance (1 of 4 stars; one submission).

Conditions:
Idiopathic generalized epilepsy. Also called: Generalised epilepsy; EIG. Identifiers: MedGen C0270850, MONDO:0005579, OMIM 600669.

gnomAD v4.1: 1 of 1,612,668 alleles (0.000062%); highest among the groups gnomAD compares: South Asian, 0.0011%; no homozygotes.

Submission:

Labcorp Genetics (formerly Invitae), Labcorp
Classification: Uncertain significance for Idiopathic generalized epilepsy. Last evaluated: 2025-06-17. Review status: criteria provided, single submitter. Criteria: Invitae Variant Classification Sherloc (09022015). Collection method: clinical testing. Allele origin: germline.
Comment: This sequence change replaces glycine, which is neutral and non-polar, with arginine, which is basic and polar, at codon 50 of the GABRD protein (p.Gly50Arg). This variant is not present in population databases (gnomAD no frequency). This variant has not been reported in the literature in individuals affected with GABRD-related conditions. An algorithm developed to predict the effect of missense changes on protein structure and function (PolyPhen-2) suggests that this variant is likely to be disruptive. In summary, the available evidence is currently insufficient to determine the role of this variant in disease. Therefore, it has been classified as a Variant of Uncertain Significance.

NM_000815.5(GABRD):c.148G>C (p.Gly50Arg)

Gene: GABRD (gamma-aminobutyric acid type A receptor subunit delta; plus strand). Cytogenetic location: 1p36.33.
Variant type: single nucleotide variant.
Coding change: c.148G>C on transcript NM_000815.5 (MANE Select); coding-DNA position 148, G replaced by C.
Protein change: p.Gly50Arg; replaces glycine 50 with arginine.
Molecular consequence: missense variant.
Genome position (GRCh38, 1-based): chr1:2,025,021, G>C. VCF-style: chr1-2025021-G-C. GRCh37 (hg19) VCF-style: chr1-1956460-G-C.
Other names: short protein forms G50R.
Identifiers: ClinVar variation 4752071 (VCV004752071.1).